The following is an entry in ClinVar:

NM_213599.3(ANO5):c.863C>T (p.Pro288Leu)

Gene: ANO5 (anoctamin 5; plus strand). Cytogenetic location: 11p14.3.
Variant type: single nucleotide variant.
Coding change: c.863C>T on transcript NM_213599.3 (MANE Select); coding-DNA position 863, C replaced by T.
Protein change: p.Pro288Leu; replaces proline 288 with leucine.
Molecular consequence: missense variant.
Genome position (GRCh38, 1-based): chr11:22,239,669, C>T. VCF-style: chr11-22239669-C-T. GRCh37 (hg19) VCF-style: chr11-22261215-C-T.
Other names: c.860C>T, p.Pro287Leu (NM_001142649.2); c.821C>T, p.Pro274Leu (NM_001410963.1); c.818C>T, p.Pro273Leu (NM_001410964.1); short protein forms P288L, P287L, P274L, P273L.
Identifiers: ClinVar variation 2147582 (VCV002147582.4), dbSNP rs758566807, ClinGen allele CA379920587.

ClinVar aggregate classification (germline): Uncertain significance (1 of 4 stars; one submission).

Conditions:
Gnathodiaphyseal dysplasia (GDD). Also called: GNATHODIAPHYSEAL SCLEROSIS; OSTEOGENESIS IMPERFECTA WITH UNUSUAL SKELETAL LESIONS. Identifiers: Orphanet 53697, MedGen C1833736, MONDO:0008151, OMIM 166260.
Autosomal recessive limb-girdle muscular dystrophy type 2L (LGMDR12). Also called: Limb-Girdle Muscular Dystrophy R12 Anoctamin-5-Related (LGMD-R12); Limb-girdle muscular dystrophy, type 2L; MUSCULAR DYSTROPHY, LIMB-GIRDLE, AUTOSOMAL RECESSIVE 12. Identifiers: Orphanet 206549, MedGen C1969785, MONDO:0012652, OMIM 611307.

Allele frequency attached by ClinVar (database versions not stated): TOPMed below 0.00001.
gnomAD v4.1: 4 of 1,604,992 alleles (0.00025%); highest among the groups gnomAD compares: Non-Finnish European, 0.00034%; no homozygotes.

Submission:

Labcorp Genetics (formerly Invitae), Labcorp
Classification: Uncertain significance for Autosomal recessive limb-girdle muscular dystrophy type 2L; Gnathodiaphyseal dysplasia. Last evaluated: 2022-06-25. Review status: criteria provided, single submitter. Criteria: Invitae Variant Classification Sherloc (09022015). Collection method: clinical testing. Allele origin: germline.
Comment: This sequence change replaces proline, which is neutral and non-polar, with leucine, which is neutral and non-polar, at codon 288 of the ANO5 protein (p.Pro288Leu). In summary, the available evidence is currently insufficient to determine the role of this variant in disease. Therefore, it has been classified as a Variant of Uncertain Significance. Advanced modeling of protein sequence and biophysical properties (such as structural, functional, and spatial information, amino acid conservation, physicochemical variation, residue mobility, and thermodynamic stability) performed at Invitae indicates that this missense variant is expected to disrupt ANO5 protein function. This variant has not been reported in the literature in individuals affected with ANO5-related conditions. This variant is not present in population databases (gnomAD no frequency).